The following is an entry in ClinVar:

ClinVar aggregate classification (germline): Pathogenic. Review status: criteria provided, single submitter (1 of 4 stars). 2 submissions from 2 submitters: Pathogenic (1). 1 of the submissions does not count toward it. Last evaluated 2024-02-15.

Conditions:
Craniosynostosis and dental anomalies (CRSDA). Also called: KREIBORG-PAKISTANI SYNDROME. Identifiers: Orphanet 284149, MedGen C3280073, MONDO:0013615, OMIM 614188.

Submissions (2):

Labcorp Genetics (formerly Invitae), Labcorp
Classification: Pathogenic. Last evaluated: 2024-02-15. Review status: criteria provided, single submitter. Criteria: Invitae Variant Classification Sherloc (09022015). Collection method: clinical testing. Allele origin: germline.
Comment: This variant, c.916_924dup, results in the insertion of 3 amino acid(s) of the IL11RA protein (p.Thr306_Ser308dup), but otherwise preserves the integrity of the reading frame. This variant is present in population databases (rs574224822, gnomAD 0.01%). This variant has been observed in individual(s) with craniosynostosis and dental anomalies (PMID: 21741611, 29926465, 30811827). It has also been observed to segregate with disease in related individuals. ClinVar contains an entry for this variant (Variation ID: 30140). For these reasons, this variant has been classified as Pathogenic.

OMIM
Classification: Pathogenic for CRANIOSYNOSTOSIS AND DENTAL ANOMALIES. Last evaluated: 2011-07-15. Review status: no assertion criteria provided. Collection method: literature only. Allele origin: germline. Not counted in ClinVar's aggregate classification.

Literature cited by the submitters: PubMed 21741611 (cited by Labcorp Genetics (formerly Invitae), Labcorp and OMIM); PubMed 29926465 (cited by Labcorp Genetics (formerly Invitae), Labcorp and OMIM); PubMed 30811827 (cited by Labcorp Genetics (formerly Invitae), Labcorp and OMIM).

NM_001142784.3(IL11RA):c.907ACCTGGAGC[3] (p.Ser308_Pro309insThrTrpSer)

Gene: IL11RA (interleukin 11 receptor subunit alpha; plus strand). Cytogenetic location: 9p13.3.
Variant type: Microsatellite.
Coding change: c.907ACCTGGAGC[3] on transcript NM_001142784.3 (MANE Select); three copies in a row of the 9-base unit ACCTGGAGC starting at c.907; the reference has two copies in a row; one copy, 9 bases duplicated; also written c.916_924dup.
Protein change: p.Ser308_Pro309insThrTrpSer.
Molecular consequence: inframe insertion. On other transcripts: non-coding transcript variant (1).
Genome position (GRCh38, 1-based): chr9:34,659,864-34,659,872, ACCTGGAGC duplicated; duplicating any 9 consecutive bases within chr9:34,659,853-34,659,872 gives the same sequence; the position shown is the placement nearest the transcript's 3' end. VCF-style (leftmost placement, unchanged base first): chr9-34659852-G-GGCACCTGGA. GRCh37 (hg19) VCF-style: chr9-34659849-G-GGCACCTGGA.
Other names: c.916_924dup (NM_001142784.3).
Identifiers: ClinVar variation 30140 (VCV000030140.6), dbSNP rs574224822, ClinGen allele CA5036635.